The following is an entry in ClinVar:

NR_199791.1(RNU2-2):n.115G>A

Genes: RNU2-2 (RNA, U2 small nuclear 2; minus strand), WDR74 (WD repeat domain 74; minus strand). Cytogenetic location: 11q12.3.
Variant type: single nucleotide variant.
Molecular consequence: non-coding transcript variant (on NR_199791.1). On other transcripts: 5 prime UTR variant (1).
Genome position: GRCh38 VCF-style: chr11-62841695-C-T. GRCh37 (hg19) VCF-style: chr11-62609167-C-T.
Other names: c.-424G>A (NM_001369451.1).
Identifiers: ClinVar variation 4540513 (VCV004540513.1).
Genomic context (GRCh38, chr11:62,841,695, plus strand): 5'-CTGGAAGTACTGCAATACCAGGTCGATGCGTGGAGTGGACGGAGCAAGCTCCTATTCCAT[C>T]TCCTATTTCCAAAAATCCATTTAATATATTGTCCTCGGATAGAGGACGTATCAGATATTA-3'

ClinVar aggregate classification (germline): Uncertain significance (1 of 4 stars; one submission).

Submission:

Institute for Human Genetics, University Hospital Essen
Classification: Uncertain significance. Last evaluated: 2025-11-27. Review status: criteria provided, single submitter. Criteria: Submitter's publication. Collection method: clinical testing. Allele origin: biparental. Inheritance: Autosomal unknown. Affected: yes. Observed: 1 variant allele, 1 homozygote.
Comment: PM1_supp (criteria rationale detailed in Leitão et al. Nature Genetics 2026)